The following is an entry in ClinVar:

ClinVar aggregate classification (germline): Uncertain significance. Review status: criteria provided, multiple submitters, no conflicts (2 of 4 stars). 2 submissions from 2 submitters: Uncertain significance (2). Last evaluated 2025-08-06.

Conditions:
Naxos disease (NXD). Also called: WOOLLY HAIR, PALMOPLANTAR KERATODERMA, AND CARDIAC ABNORMALITIES; CARDIOMYOPATHY, ARRHYTHMOGENIC RIGHT VENTRICULAR, WITH SKIN, HAIR, AND NAIL ABNORMALITIES; KERATOSIS PALMOPLANTARIS WITH ARRHYTHMOGENIC CARDIOMYOPATHY; MAL DE NAXOS; PALMOPLANTAR KERATODERMA WITH ARRHYTHMOGENIC RIGHT VENTRICULAR CARDIOMYOPATHY AND WOOLLY HAIR. Identifiers: Orphanet 34217, MedGen C1832600, MONDO:0011017, OMIM 601214.
Arrhythmogenic right ventricular dysplasia 12. Also called: ARRHYTHMOGENIC RIGHT VENTRICULAR DYSPLASIA, FAMILIAL, 12. Identifiers: MedGen C1969081, MONDO:0012684, OMIM 611528.

Allele frequency attached by ClinVar (database versions not stated): gnomAD exomes below 0.00001.
gnomAD v4.1: 1 of 1,614,176 alleles (0.000062%); highest among the groups gnomAD compares: Non-Finnish European, 0.000085%; no homozygotes.

Submissions (2):

Labcorp Genetics (formerly Invitae), Labcorp
Classification: Uncertain significance for Arrhythmogenic right ventricular dysplasia 12; Naxos disease. Last evaluated: 2025-08-06. Review status: criteria provided, single submitter. Criteria: Invitae Variant Classification Sherloc (09022015). Collection method: clinical testing. Allele origin: germline.
Comment: This sequence change replaces valine, which is neutral and non-polar, with glycine, which is neutral and non-polar, at codon 486 of the JUP protein (p.Val486Gly). This variant is not present in population databases (gnomAD no frequency). This variant has not been reported in the literature in individuals affected with JUP-related conditions. ClinVar contains an entry for this variant (Variation ID: 1303221). An algorithm developed to predict the effect of missense changes on protein structure and function (PolyPhen-2) suggests that this variant is likely to be disruptive. In summary, the available evidence is currently insufficient to determine the role of this variant in disease. Therefore, it has been classified as a Variant of Uncertain Significance.

GeneDx
Classification: Uncertain significance. Last evaluated: 2019-06-20. Review status: criteria provided, single submitter. Criteria: GeneDx Variant Classification Process June 2021. Collection method: clinical testing. Allele origin: germline. Affected: yes.
Comment: Not observed in large population cohorts (Lek et al., 2016); In silico analysis, which includes protein predictors and evolutionary conservation, supports a deleterious effect; Has not been previously published as pathogenic or benign to our knowledge

NM_002230.4(JUP):c.1457T>G (p.Val486Gly)

Gene: JUP (junction plakoglobin; minus strand). Cytogenetic location: 17q21.2.
Variant type: single nucleotide variant.
Coding change: c.1457T>G on transcript NM_002230.4 (MANE Select); coding-DNA position 1457, T replaced by G.
Protein change: p.Val486Gly; replaces valine 486 with glycine.
Molecular consequence: missense variant.
Genome position (GRCh38, 1-based): chr17:41,763,023, A>C on the plus strand (T>G on the coding strand, the complement: JUP is on the minus strand). VCF-style: chr17-41763023-A-C. GRCh37 (hg19) VCF-style: chr17-39919275-A-C.
Other names: c.1457T>G, p.Val486Gly (NM_001352773.2, NM_001352774.2, NM_001352775.2 and 3 more transcripts); short protein forms V486G.
Identifiers: ClinVar variation 1303221 (VCV001303221.4), dbSNP rs2143558868, ClinGen allele CA399496262.